The following is an entry in ClinVar:

NM_001127222.2(CACNA1A):c.658A>G (p.Met220Val)

Gene: CACNA1A (calcium voltage-gated channel subunit alpha1 A; minus strand). Cytogenetic location: 19p13.13.
Variant type: single nucleotide variant.
Coding change: c.658A>G on transcript NM_001127222.2 (MANE Select); coding-DNA position 658, A replaced by G.
Protein change: p.Met220Val; replaces methionine 220 with valine.
Molecular consequence: missense variant.
Genome position (GRCh38, 1-based): chr19:13,365,443, T>C on the plus strand (A>G on the coding strand, the complement: CACNA1A is on the minus strand). VCF-style: chr19-13365443-T-C. GRCh37 (hg19) VCF-style: chr19-13476257-T-C.
Other names: c.658A>G, p.Met220Val (NM_000068.4, NM_001127221.2, NM_001174080.2 and 1 more transcripts); short protein forms M220V.
Identifiers: ClinVar variation 2135198 (VCV002135198.4), dbSNP rs1239474432, ClinGen allele CA404348647.

ClinVar aggregate classification (germline): Uncertain significance (1 of 4 stars; one submission).

Conditions:
Episodic ataxia type 2 (EA2). Also called: ACETAZOLAMIDE-RESPONSIVE HEREDITARY PAROXYSMAL CEREBELLAR ATAXIA; ATAXIA, EPISODIC, WITH NYSTAGMUS; ATAXIA, FAMILIAL PAROXYSMAL; CEREBELLAR ATAXIA, PAROXYSMAL, ACETAZOLAMIDE-RESPONSIVE; CEREBELLOPATHY, HEREDITARY PAROXYSMAL; EPISODIC ATAXIA, NYSTAGMUS-ASSOCIATED. Identifiers: Orphanet 97, MedGen C1720416, MONDO:0007163, OMIM 108500.
Developmental and epileptic encephalopathy, 42 (DEE42A). Also called: EPILEPTIC ENCEPHALOPATHY, EARLY INFANTILE, 42A; DEVELOPMENTAL AND EPILEPTIC ENCEPHALOPATHY 42A; Epileptic encephalopathy, early infantile, 42. Identifiers: MedGen C4310716, MONDO:0014917, OMIM 617106.

Allele frequency attached by ClinVar (database versions not stated): gnomAD exomes below 0.00001.
gnomAD v4.1: 1 of 1,613,816 alleles (0.000062%); highest among the groups gnomAD compares: Non-Finnish European, 0.000085%; no homozygotes.

Submission:

Labcorp Genetics (formerly Invitae), Labcorp
Classification: Uncertain significance for Developmental and epileptic encephalopathy, 42; Episodic ataxia type 2. Last evaluated: 2022-05-07. Review status: criteria provided, single submitter. Criteria: Invitae Variant Classification Sherloc (09022015). Collection method: clinical testing. Allele origin: germline.
Comment: In summary, the available evidence is currently insufficient to determine the role of this variant in disease. Therefore, it has been classified as a Variant of Uncertain Significance. Advanced modeling of protein sequence and biophysical properties (such as structural, functional, and spatial information, amino acid conservation, physicochemical variation, residue mobility, and thermodynamic stability) performed at Invitae indicates that this missense variant is expected to disrupt CACNA1A protein function. This variant has not been reported in the literature in individuals affected with CACNA1A-related conditions. This variant is present in population databases (no rsID available, gnomAD 0.0009%). This sequence change replaces methionine, which is neutral and non-polar, with valine, which is neutral and non-polar, at codon 220 of the CACNA1A protein (p.Met220Val).